The following is an entry in ClinVar:

NM_000059.4(BRCA2):c.7850G>A (p.Arg2617Lys)

Gene: BRCA2 (BRCA2 DNA repair associated; plus strand). Cytogenetic location: 13q13.1.
Variant type: single nucleotide variant.
Coding change: c.7850G>A on transcript NM_000059.4 (MANE Select); coding-DNA position 7850, G replaced by A.
Protein change: p.Arg2617Lys; replaces arginine 2617 with lysine.
Molecular consequence: missense variant.
Genome position (GRCh38, 1-based): chr13:32,362,567, G>A. VCF-style: chr13-32362567-G-A. GRCh37 (hg19) VCF-style: chr13-32936704-G-A.
Other names: short protein forms R2617K.
Identifiers: ClinVar variation 1015347 (VCV001015347.11), dbSNP rs2072745615, ClinGen allele CA387747044.
Genomic context (GRCh38, chr13:32,362,567, plus strand): 5'-ACTTTTATTTGTTCAGGGCTCTGTGTGACACTCCAGGTGTGGATCCAAAGCTTATTTCTA[G>A]AATTTGGGTTTATAATCACTATAGATGGATCATATGGAAACTGGCAGCTATGGAATGTGC-3'
Protein context (NP_000050.3, residues 2607-2627): TPGVDPKLIS[Arg2617Lys]IWVYNHYRWI

ClinVar aggregate classification (germline): Uncertain significance (1 of 4 stars; one submission).

Conditions:
Hereditary breast ovarian cancer syndrome. Also called: Hereditary breast and ovarian cancer syndrome (HBOC); Hereditary breast and/or ovarian cancer syndrome; BRCA1- and BRCA2-Associated Hereditary Breast and Ovarian Cancer; Hereditary breast and ovarian cancer syndrome; Hereditary breast and ovarian cancer; Breast and ovarian cancer. Identifiers: Orphanet 145, MedGen C0677776, MeSH D061325, MONDO:0003582. Disease mechanism: loss of function.

Submission:

Labcorp Genetics (formerly Invitae), Labcorp
Classification: Uncertain significance for Hereditary breast ovarian cancer syndrome. Last evaluated: 2020-02-20. Review status: criteria provided, single submitter. Criteria: Invitae Variant Classification Sherloc (09022015). Collection method: clinical testing. Allele origin: germline.
Comment: This variant has not been reported in the literature in individuals with BRCA2-related conditions. This variant is not present in population databases (ExAC no frequency). This sequence change replaces arginine with lysine at codon 2617 of the BRCA2 protein (p.Arg2617Lys). The arginine residue is weakly conserved and there is a small physicochemical difference between arginine and lysine. Algorithms developed to predict the effect of missense changes on protein structure and function output the following: SIFT: "Tolerated"; PolyPhen-2: "Possibly Damaging"; Align-GVGD: "Class C0". The lysine amino acid residue is found in multiple mammalian species, suggesting that this missense change does not adversely affect protein function. These predictions have not been confirmed by published functional studies and their clinical significance is uncertain. In summary, the available evidence is currently insufficient to determine the role of this variant in disease. Therefore, it has been classified as a Variant of Uncertain Significance.